The following is an entry in ClinVar:

NM_001330260.2(SCN8A):c.3490G>T (p.Gly1164Cys)

Gene: SCN8A (sodium voltage-gated channel alpha subunit 8; plus strand). Cytogenetic location: 12q13.13.
Variant type: single nucleotide variant.
Coding change: c.3490G>T on transcript NM_001330260.2 (MANE Select); coding-DNA position 3490, G replaced by T.
Protein change: p.Gly1164Cys; replaces glycine 1164 with cysteine.
Molecular consequence: missense variant.
Genome position (GRCh38, 1-based): chr12:51,769,985, G>T. VCF-style: chr12-51769985-G-T. GRCh37 (hg19) VCF-style: chr12-52163769-G-T.
Other names: c.3490G>T, p.Gly1164Cys (NM_001177984.3, NM_001369788.1, NM_014191.4); short protein forms G1164C.
Identifiers: ClinVar variation 3691394 (VCV003691394.2).

ClinVar aggregate classification (germline): Uncertain significance (1 of 4 stars; one submission).

Conditions:
Early-infantile DEE. Also called: Ohtahara syndrome; Early infantile epileptic encephalopathy with suppression bursts; Early infantile epileptic encephalopathy. Identifiers: Orphanet 1934, MedGen C0393706, MONDO:0800491.

Submission:

Labcorp Genetics (formerly Invitae), Labcorp
Classification: Uncertain significance for Early-infantile DEE. Last evaluated: 2024-04-05. Review status: criteria provided, single submitter. Criteria: Invitae Variant Classification Sherloc (09022015). Collection method: clinical testing. Allele origin: germline.
Comment: This sequence change replaces glycine, which is neutral and non-polar, with cysteine, which is neutral and slightly polar, at codon 1164 of the SCN8A protein (p.Gly1164Cys). This variant also falls at the last nucleotide of exon 18, which is part of the consensus splice site for this exon. This variant is not present in population databases (gnomAD no frequency). This variant has not been reported in the literature in individuals affected with SCN8A-related conditions. An algorithm developed to predict the effect of missense changes on protein structure and function (PolyPhen-2) suggests that this variant is likely to be disruptive. Variants that disrupt the consensus splice site are a relatively common cause of aberrant splicing (PMID: 17576681, 9536098). Algorithms developed to predict the effect of sequence changes on RNA splicing suggest that this variant may disrupt the consensus splice site. In summary, the available evidence is currently insufficient to determine the role of this variant in disease. Therefore, it has been classified as a Variant of Uncertain Significance.

Literature cited by the submitters: PubMed 17576681; PubMed 9536098.